The following is an entry in ClinVar:

NM_004928.3(CFAP410):c.642+138dup

Gene: CFAP410 (cilia and flagella associated protein 410; minus strand). Cytogenetic location: 21q22.3.
Variant type: Duplication.
Coding change: c.642+138dup on transcript NM_004928.3 (MANE Select); 138 bases into the intron after coding-DNA position 642, one base duplicated (G; older notation c.642+138dupG).
Molecular consequence: intron variant. On other transcripts: frameshift variant (1).
Genome position (GRCh38, 1-based): chr21:44,330,685, C duplicated on the plus strand (G on the coding strand, the reverse complement: CFAP410 is on the minus strand). VCF-style (leftmost placement, unchanged base first): chr21-44330684-A-AC. GRCh37 (hg19) VCF-style: chr21-45750567-A-AC.
Other names: c.777dup, p.Cys260fs (NM_001271441.2); c.639+138dup (NM_001271440.2); c.516+138dup (NM_001271442.1); short protein forms C260fs.
Identifiers: ClinVar variation 4681802 (VCV004681802.5).

ClinVar aggregate classification (germline): Uncertain significance (1 of 4 stars; one submission).

Submission:

CeGaT Center for Human Genetics Tuebingen
Classification: Uncertain significance. Last evaluated: 2025-12-01. Review status: criteria provided, single submitter. Criteria: CeGaT Center For Human Genetics Tuebingen Variant Classification Criteria Version 2. Collection method: clinical testing. Allele origin: germline. Affected: yes. Observed: 1 variant allele.
Comment: CFAP410: PM2